The following is an entry in ClinVar:

ClinVar aggregate classification (germline): Uncertain significance. Review status: criteria provided, single submitter (1 of 4 stars). 2 submissions from 2 submitters: Uncertain significance (1). 1 of the submissions does not count toward it. Last evaluated 2025-03-01.

Conditions:
COL17A1-related disorder. Also called: COL17A1-related condition.

Allele frequency attached by ClinVar (database versions not stated): gnomAD exomes 0.00006; ExAC 0.00018; 1000 Genomes Project 0.00040; 1000 Genomes Project 30x 0.00047; ESP Exome Variant Server 0.00062.
gnomAD v4.1: 173 of 1,614,112 alleles (0.011%); highest among the groups gnomAD compares: African/African-American, 0.2%; no homozygotes.

Submissions (2):

CeGaT Center for Human Genetics Tuebingen
Classification: Uncertain significance. Last evaluated: 2025-03-01. Review status: criteria provided, single submitter. Criteria: CeGaT Center For Human Genetics Tuebingen Variant Classification Criteria Version 2. Collection method: clinical testing. Allele origin: germline. Affected: yes. Observed: 1 variant allele.
Comment: COL17A1: PM2

PreventionGenetics, part of Exact Sciences
Classification: Likely benign for COL17A1-related condition. Last evaluated: 2023-02-20. Review status: no assertion criteria provided. Collection method: clinical testing. Allele origin: germline. Not counted in ClinVar's aggregate classification.
Comment: This variant is classified as likely benign based on ACMG/AMP sequence variant interpretation guidelines (Richards et al. 2015 PMID: 25741868, with internal and published modifications).

NM_000494.4(COL17A1):c.289A>G (p.Thr97Ala)

Gene: COL17A1 (collagen type XVII alpha 1 chain; minus strand). Cytogenetic location: 10q25.1.
Variant type: single nucleotide variant.
Coding change: c.289A>G on transcript NM_000494.4 (MANE Select); coding-DNA position 289, A replaced by G.
Protein change: p.Thr97Ala; replaces threonine 97 with alanine.
Molecular consequence: missense variant.
Genome position (GRCh38, 1-based): chr10:104,076,343, T>C on the plus strand (A>G on the coding strand, the complement: COL17A1 is on the minus strand). VCF-style: chr10-104076343-T-C. GRCh37 (hg19) VCF-style: chr10-105836101-T-C.
Other names: short protein forms T97A.
Identifiers: ClinVar variation 3035318 (VCV003035318.9), dbSNP rs139344319, ClinGen allele CA5679500.